The following continues an entry in ClinVar:

NM_000038.6(APC):c.2547_2550del (p.Asp849fs)

Gene: APC. ClinVar aggregate classification (germline): Pathogenic. Pathogenic (11).

Submissions 8 to 14 of 14:

Women's Health and Genetics/Laboratory Corporation of America, LabCorp
Classification: Pathogenic for Familial adenomatous polyposis. Last evaluated: 2018-06-22. Review status: criteria provided, single submitter. Criteria: LabCorp Variant Classification Summary - May 2015. Collection method: clinical testing. Allele origin: germline.
Comment: Variant summary: APC c.2547_2550delTAGA (p.Asp849GlufsX11) results in a premature termination codon, predicted to cause a truncation of the encoded protein or absence of the protein due to nonsense mediated decay, which are commonly known mechanisms for disease. The variant was absent in 245936 control chromosomes (in gnomAD). c.2547_2550delTAGA has been reported in the literature in multiple individuals affected with Familial Adenomatous Polyposis (Miyaki 1994, Friedl 2005, Rohlin 2011), segregation with the disease was also described (Ripa 2002). These data indicate that the variant is very likely to be associated with disease. To our knowledge, no experimental evidence demonstrating an impact on protein function has been reported. One clinical diagnostic laboratory has submitted clinical-significance assessments for this variant to ClinVar after 2014 without evidence for independent evaluation, and classified the variant as pathogenic. Based on the evidence outlined above, the variant was classified as pathogenic.

GeneDx
Classification: Pathogenic for Neoplastic Syndromes, Hereditary. Last evaluated: 2014-03-25. Review status: criteria provided, single submitter. Criteria: GeneDx Variant Classification (06012015). Collection method: clinical testing. Allele origin: germline. Affected: yes.
Comment: This variant is denoted APC c.2547_2550delTAGA at the cDNA level and p.Asp849GlufsX11 (D849EfsX11) at the protein level. The normal sequence, with the bases that are deleted in brackets, is AAGA{TAGA}AGTT. The deletion causes a frameshift, which changes an Aspartic Acid to a Glutamic Acid at codon 849 in exon 16, and creates a premature stop codon at position 11 of the new reading frame. This mutation is predicted to cause loss of normal protein function through protein truncation. APC 2547_2550delTAGA, previously reported as 2547del4, has been observed in association with Familial Adenomatous Polyposis (Ripa 2002, Friedl 2005). We therefore consider this mutation to be pathogenic. and is indicative of a Familial Adenomatous Polyposis (FAP)-associated condition, which includes classic FAP and attenuated FAP (AFAP). These autosomal dominant conditions predispose individuals to the development of many polyps, colorectal cancer, and other cancers. AFAP is distinguished from classic FAP primarily by the difference in polyp burden and age at presentation. Individuals with classic FAP may develop hundreds to thousands of adenomatous polyps by age 35 and, on average, are diagnosed with colon cancer by the age of 39. The age-related risk for colon cancer in untreated individuals is 7% by age 21, 87% by age 45, and 93% by age 50 (Jasperson 2010). Individuals with AFAP develop an average of about 30 polyps and are typically diagnosed with colon cancer between ages 50 and 55. Other cancer risks in individuals with FAP and AFAP include 5% risk for duodenal or periampullary cancer, and in FAP less than or equal to a 2% risk for stomach, thyroid, pancreatic, brain (typically medulloblastoma), and liver (hepatoblastoma) cancers, while AFAP has less than or equal to a 2% risk for stomach, thyroid, and pancreatic cancers (Jasperson 2012). Upper gastrointestinal tract polyps and fundic gland polyps are present in most cases of classic FAP and AFAP; other findings include desmoid tumors, osteomas, epidermoid cysts, and fibromas. Approximately 20-25% of individuals with an APC mutation have a de novo, rather than inherited, mutation. The variant is found in APC panel(s).

Eurofins Ntd Llc (ga)
Classification: Pathogenic. Last evaluated: 2013-01-17. Review status: criteria provided, single submitter. Criteria: EGL Classification Definitions. Collection method: clinical testing. Allele origin: germline.

Kasturba Medical College, Manipal, Kasturba Medical College, Manipal, Manipal Academy of Higher Education, Manipal, India
Classification: Pathogenic for Familial adenomatous polyposis 1. Review status: criteria provided, single submitter. Criteria: ACMG Guidelines, 2015. Collection method: clinical testing. Allele origin: unknown. Inheritance: Autosomal dominant inheritance. Affected: yes. Observed: 1 heterozygote.

PreventionGenetics, part of Exact Sciences
Classification: Pathogenic for APC-related condition. Last evaluated: 2024-02-02. Review status: no assertion criteria provided. Collection method: clinical testing. Allele origin: germline. Not counted in ClinVar's aggregate classification.
Comment: The APC c.2547_2550delTAGA variant is predicted to result in a frameshift and premature protein termination (p.Asp849Glufs*11). This variant has been reported in several individuals and families with Familial Adenomatous Polyposis (examples, Ripa et al 2002. PubMed ID: 12357334; de Oliveira JC et al 2019. PubMed ID: 30897307; Lagarde A et al 2010. PubMed ID: 20685668). This variant has not been reported in a large population database, indicating this variant is rare. This variant is interpreted as pathogenic in ClinVar. This variant is interpreted as pathogenic.

Department of Pathology and Laboratory Medicine, Sinai Health System
Classification: Uncertain significance. Review status: no assertion criteria provided. Collection method: clinical testing. Allele origin: unknown. Affected: yes. Observed: 1 variant allele. Study: The Canadian Open Genetics Repository (COGR). Not counted in ClinVar's aggregate classification.

Mayo Clinic Laboratories, Mayo Clinic
Classification: Pathogenic. Review status: no assertion criteria provided. Collection method: research. Allele origin: unknown. Observed: 2 variant alleles. Not counted in ClinVar's aggregate classification.

Literature cited by the submitters: PubMed 12357334 (cited by 4 submitters); PubMed 17963004 (cited by 3 submitters); PubMed 20223039 (cited by 4 submitters); PubMed 20685668 (cited by 4 submitters); PubMed 29406563 (cited by 4 submitters); PubMed 30897307 (cited by 4 submitters); PubMed 15311282 (cited by Labcorp Genetics (formerly Invitae), Labcorp); PubMed 17293347 (cited by Labcorp Genetics (formerly Invitae), Labcorp); PubMed 9824584 (cited by Labcorp Genetics (formerly Invitae), Labcorp); PubMed 1316610 (cited by Labcorp Genetics (formerly Invitae), Labcorp); PubMed 27081525 (cited by Labcorp Genetics (formerly Invitae), Labcorp); PubMed 8381579 (cited by Labcorp Genetics (formerly Invitae), Labcorp); PubMed 22135120 (cited by Labcorp Genetics (formerly Invitae), Labcorp); PubMed 21643010 (cited by 4 submitters); PubMed 31069152 (cited by 3 submitters); PubMed 11257105 (cited by Color Diagnostics, LLC DBA Color Health); PubMed 8187091 (cited by Quest Diagnostics Nichols Institute San Juan Capistrano and Women's Health and Genetics/Laboratory Corporation of America, LabCorp).